The following is an entry in ClinVar:

ClinVar aggregate classification (germline): Uncertain significance. Review status: criteria provided, multiple submitters, no conflicts (2 of 4 stars). 2 submissions from 2 submitters: Uncertain significance (2). Last evaluated 2024-08-17.

Conditions:
Hereditary cancer-predisposing syndrome. Also called: Tumor predisposition; Hereditary neoplastic syndrome; Hereditary Cancer Syndrome; Neoplastic Syndromes, Hereditary. Identifiers: Orphanet 140162, MedGen C0027672, MeSH D009386, MONDO:0015356.
Tumor predisposition syndrome 3 (TPDS3). Also called: LONG TELOMERE SYNDROME, POT1-RELATED; POT1 Tumor Predisposition; Melanoma, cutaneous malignant, susceptibility to, 10; Glioma susceptibility 9. Identifiers: Orphanet 618, MedGen C4014476, MONDO:0014368, OMIM 615848.

Submissions (2):

Ambry Genetics
Classification: Uncertain significance for Hereditary cancer-predisposing syndrome. Last evaluated: 2024-08-17. Review status: criteria provided, single submitter. Criteria: Ambry Variant Classification Scheme 2023. Collection method: clinical testing. Allele origin: germline.
Comment: The p.E204K variant (also known as c.610G>A), located in coding exon 5 of the POT1 gene, results from a G to A substitution at nucleotide position 610. The glutamic acid at codon 204 is replaced by lysine, an amino acid with similar properties. This amino acid position is conserved. In addition, this alteration is predicted to be tolerated by in silico analysis. Based on the available evidence, the clinical significance of this variant remains unclear.

Labcorp Genetics (formerly Invitae), Labcorp
Classification: Uncertain significance for Tumor predisposition syndrome 3. Last evaluated: 2022-12-15. Review status: criteria provided, single submitter. Criteria: Invitae Variant Classification Sherloc (09022015). Collection method: clinical testing. Allele origin: germline.
Comment: This sequence change replaces glutamic acid, which is acidic and polar, with lysine, which is basic and polar, at codon 204 of the POT1 protein (p.Glu204Lys). This variant is not present in population databases (gnomAD no frequency). This variant has not been reported in the literature in individuals affected with POT1-related conditions. Advanced modeling of protein sequence and biophysical properties (such as structural, functional, and spatial information, amino acid conservation, physicochemical variation, residue mobility, and thermodynamic stability) performed at Invitae indicates that this missense variant is not expected to disrupt POT1 protein function. Algorithms developed to predict the effect of sequence changes on RNA splicing suggest that this variant may disrupt the consensus splice site. In summary, the available evidence is currently insufficient to determine the role of this variant in disease. Therefore, it has been classified as a Variant of Uncertain Significance.

NM_015450.3(POT1):c.610G>A (p.Glu204Lys)

Gene: POT1 (protection of telomeres 1; minus strand). Cytogenetic location: 7q31.33.
Variant type: single nucleotide variant.
Coding change: c.610G>A on transcript NM_015450.3 (MANE Select); coding-DNA position 610, G replaced by A.
Protein change: p.Glu204Lys; replaces glutamic acid 204 with lysine.
Molecular consequence: missense variant. On other transcripts: non-coding transcript variant (3).
Genome position (GRCh38, 1-based): chr7:124,859,049, C>T on the plus strand (G>A on the coding strand, the complement: POT1 is on the minus strand). VCF-style: chr7-124859049-C-T. GRCh37 (hg19) VCF-style: chr7-124499103-C-T.
Other names: c.610G>A (NM_015450.2); c.217G>A, p.Glu73Lys (NM_001042594.2); short protein forms E204K, E73K.
Identifiers: ClinVar variation 2872433 (VCV002872433.4), dbSNP rs2116526123, ClinGen allele CA369056542.